The following is an entry in ClinVar:

NM_000228.3(LAMB3):c.1948C>T (p.Gln650Ter)

Gene: LAMB3 (laminin subunit beta 3; minus strand). Cytogenetic location: 1q32.2.
Variant type: single nucleotide variant.
Coding change: c.1948C>T on transcript NM_000228.3 (MANE Select); coding-DNA position 1948, C replaced by T.
Protein change: p.Gln650Ter; replaces glutamine 650 with a stop codon.
Molecular consequence: nonsense.
Genome position (GRCh38, 1-based): chr1:209,625,676, G>A on the plus strand (C>T on the coding strand, the complement: LAMB3 is on the minus strand). VCF-style: chr1-209625676-G-A. GRCh37 (hg19) VCF-style: chr1-209799021-G-A.
Other names: c.1948C>T, p.Gln650Ter (NM_001017402.2, NM_001127641.1); short protein forms Q650*.
Identifiers: ClinVar variation 2812719 (VCV002812719.3), dbSNP rs2464813722, ClinGen allele CA344589070.

ClinVar aggregate classification (germline): Pathogenic (1 of 4 stars; one submission).

Submission:

Labcorp Genetics (formerly Invitae), Labcorp
Classification: Pathogenic. Last evaluated: 2022-11-10. Review status: criteria provided, single submitter. Criteria: Invitae Variant Classification Sherloc (09022015). Collection method: clinical testing. Allele origin: germline.
Comment: For these reasons, this variant has been classified as Pathogenic. This variant has not been reported in the literature in individuals affected with LAMB3-related conditions. This variant is not present in population databases (gnomAD no frequency). This sequence change creates a premature translational stop signal (p.Gln650*) in the LAMB3 gene. It is expected to result in an absent or disrupted protein product. Loss-of-function variants in LAMB3 are known to be pathogenic (PMID: 11023379, 16473856).

Literature cited by the submitters: PubMed 11023379; PubMed 16473856.